The following is an entry in ClinVar:

NM_015338.6(ASXL1):c.2414C>T (p.Pro805Leu)

Gene: ASXL1 (ASXL transcriptional regulator 1; plus strand). Cytogenetic location: 20q11.21.
Variant type: single nucleotide variant.
Coding change: c.2414C>T on transcript NM_015338.6 (MANE Select); coding-DNA position 2414, C replaced by T.
Protein change: p.Pro805Leu; replaces proline 805 with leucine.
Molecular consequence: missense variant.
Genome position (GRCh38, 1-based): chr20:32,435,126, C>T. VCF-style: chr20-32435126-C-T. GRCh37 (hg19) VCF-style: chr20-31022929-C-T.
Other names: c.2231C>T, p.Pro744Leu (NM_001363734.1); short protein forms P805L, P744L.
Identifiers: ClinVar variation 4843633 (VCV004843633.1).

ClinVar aggregate classification (germline): Uncertain significance (1 of 4 stars; one submission).

Conditions:
Inborn genetic diseases. Identifiers: MedGen C0950123, MeSH D030342.

Submission:

Ambry Genetics
Classification: Uncertain significance for Inborn genetic diseases. Last evaluated: 2025-12-16. Review status: criteria provided, single submitter. Criteria: Ambry Variant Classification Scheme 2023. Collection method: clinical testing. Allele origin: germline.
Comment: The p.P805L variant (also known as c.2414C>T), located in coding exon 13 of the ASXL1 gene, results from a C to T substitution at nucleotide position 2414. The proline at codon 805 is replaced by leucine, an amino acid with similar properties. This amino acid position is conserved. In addition, this alteration is predicted to be tolerated by in silico analysis. Based on the available evidence, the clinical significance of this variant remains unclear.